The following is an entry in ClinVar:

NM_005257.6(GATA6):c.1441C>A (p.Leu481Ile)

Gene: GATA6 (GATA binding protein 6; plus strand). Cytogenetic location: 18q11.2.
Variant type: single nucleotide variant.
Coding change: c.1441C>A on transcript NM_005257.6 (MANE Select); coding-DNA position 1441, C replaced by A.
Protein change: p.Leu481Ile; replaces leucine 481 with isoleucine.
Molecular consequence: missense variant.
Genome position (GRCh38, 1-based): chr18:22,182,769, C>A. VCF-style: chr18-22182769-C-A. GRCh37 (hg19) VCF-style: chr18-19762730-C-A.
Other names: short protein forms L481I.
Identifiers: ClinVar variation 3236107 (VCV003236107.1), dbSNP rs2510632401, ClinGen allele CA401802582.
Genomic context (GRCh38, chr18:22,182,769, plus strand): 5'-TTTCTTCAATATAATATTAAATTTATGGCCTATGTGAAAATTTTTTAGGTGCCCAGACCA[C>A]TTGCTATGAAAAAAGAGGGAATTCAAACCAGGAAACGAAAACCTAAGAACATAAATAAAT-3'
Protein context (NP_005248.2, residues 471-491): YMKLHGVPRP[Leu481Ile]AMKKEGIQTR

ClinVar aggregate classification (germline): Uncertain significance (1 of 4 stars; one submission).

Conditions:
Atrial septal defect 9 (ASD9). Identifiers: Orphanet 1478, MedGen C3280943, MONDO:0013770, OMIM 614475.

Submission:

MVZ Medizinische Genetik Mainz
Classification: Uncertain significance for Atrial septal defect 9. Last evaluated: 2021-12-20. Review status: criteria provided, single submitter. Criteria: UK Practice Guidelines For Variant Classification V4 01 2020. Collection method: clinical testing. Allele origin: germline. Inheritance: Autosomal dominant inheritance. Affected: yes. Observed: 1 variant allele.
Comment: ACMG Criteria: PM1, PM2_SUP, PP3